The following is an entry in ClinVar:

ClinVar aggregate classification (germline): Pathogenic (1 of 4 stars; one submission).

Conditions:
Hematuria, benign familial, 1 (BFH1). Also called: THIN MEMBRANE NEPHROPATHY. Identifiers: MedGen CN376803, MONDO:0007709, OMIM 141200.

Submission:

Centre de Génétique Humaine, Institut de Pathologie Et de Génétique
Classification: Pathogenic for Hematuria, benign familial, 1. Last evaluated: 2026-04-10. Review status: criteria provided, single submitter. Criteria: ACMG Guidelines, 2015. Collection method: clinical testing. Allele origin: paternal. Inheritance: Autosomal dominant inheritance. Affected: yes. Observed: 2 variant alleles, 2 heterozygotes. Clinical features observed: Microscopic hematuria (HP:0002907). Segregation with disease observed.
Comment: Intragenic deletion of coding region - collagenous domain (one exon) (2E: 0.9). CNV segregates with a consistent phenotype observed in the patient’s family (5D:0.15)

NM_000092.5:c.(4090+1_4091-1)_(4216+1_4217-1)del

Gene: COL4A4 (collagen type IV alpha 4 chain; minus strand).
Variant type: Deletion.
Other names: c.(4090+1_4091-1)_(4216+1_4217-1)del (NM_000092.5).
Identifiers: ClinVar variation 4884695 (VCV004884695.1).